The following is an entry in ClinVar:

NM_003803.4(MYOM1):c.5014A>G (p.Met1672Val)

Gene: MYOM1 (myomesin 1; minus strand). Cytogenetic location: 18p11.31.
Variant type: single nucleotide variant.
Coding change: c.5014A>G on transcript NM_003803.4 (MANE Select); coding-DNA position 5014, A replaced by G.
Protein change: p.Met1672Val; replaces methionine 1672 with valine.
Molecular consequence: missense variant.
Genome position (GRCh38, 1-based): chr18:3,067,306, T>C on the plus strand (A>G on the coding strand, the complement: MYOM1 is on the minus strand). VCF-style: chr18-3067306-T-C. GRCh37 (hg19) VCF-style: chr18-3067304-T-C.
Other names: c.4726A>G, p.Met1576Val (NM_019856.2); short protein forms M1576V, M1672V.
Identifiers: ClinVar variation 3877147 (VCV003877147.1).
Genomic context (GRCh38, chr18:3,067,306, plus strand): 5'-CTCCTCGCACCTCCGGTCACTTGGCCTTCTTGCCACCTTTCAGGGACTCCAAGGCGGCCA[T>C]CCTCGCCTCCTCCTCTGGGATGAACACGCTGACGGTGAAGTCGCTGGTCTCCGAGCCATA-3'
Protein context (NP_003794.3, residues 1662-1682): SVFIPEEEAR[Met1672Val]AALESLKGGK

ClinVar aggregate classification (germline): Uncertain significance (1 of 4 stars; one submission).

Submission:

Ambry Genetics
Classification: Uncertain significance. Last evaluated: 2025-02-09. Review status: criteria provided, single submitter. Criteria: Ambry Variant Classification Scheme 2023. Collection method: clinical testing. Allele origin: germline.
Comment: The p.M1672V variant (also known as c.5014A>G), located in coding exon 37 of the MYOM1 gene, results from an A to G substitution at nucleotide position 5014. The methionine at codon 1672 is replaced by valine, an amino acid with highly similar properties. This amino acid position is conserved. In addition, this alteration is predicted to be tolerated by in silico analysis. Based on the available evidence, the clinical significance of this variant remains unclear.